The following is an entry in ClinVar:

ClinVar aggregate classification (germline): Conflicting classifications of pathogenicity. Review status: criteria provided, conflicting classifications (1 of 4 stars). 9 submissions from 8 submitters: Uncertain significance (2); Benign (1); Likely benign (3). 3 of the submissions do not count toward it. Last evaluated 2025-10-09.

Conditions:
Dilated cardiomyopathy 1V (CMD1V). Identifiers: Orphanet 154, MedGen C3150958, MONDO:0013373, OMIM 613697.
Alzheimer disease 4 (AD4). Identifiers: Orphanet 1020, MedGen C1847200, MONDO:0011743, OMIM 606889.

Allele frequency attached by ClinVar (database versions not stated): ESP Exome Variant Server 0.00023; ExAC 0.00031; gnomAD exomes 0.00037; gnomAD 0.00045 and 0.00050; TOPMed 0.00045.
gnomAD v4.1: 1,226 of 1,607,958 alleles (0.076%); highest among the groups gnomAD compares: Non-Finnish European, 0.099%; no homozygotes.

Submissions (9):

Labcorp Genetics (formerly Invitae), Labcorp
Classification: Likely benign for Alzheimer disease 4. Last evaluated: 2025-10-09. Review status: criteria provided, single submitter. Criteria: Invitae Variant Classification Sherloc (09022015). Collection method: clinical testing. Allele origin: germline.

Women's Health and Genetics/Laboratory Corporation of America, LabCorp
Classification: Likely benign. Last evaluated: 2025-09-02. Review status: criteria provided, single submitter. Criteria: LabCorp Variant Classification Summary - May 2015. Collection method: clinical testing. Allele origin: germline.

Athena Diagnostics
Classification: Benign. Last evaluated: 2025-03-12. Review status: criteria provided, single submitter. Criteria: Athena Diagnostics Criteria. Collection method: clinical testing. Allele origin: unknown.
Comment: The frequency of this variant in the general population is higher than would generally be expected for pathogenic variants in this gene. Computational tools yielded predictions that this variant is unlikely to have an effect on normal RNA splicing. This nucleotide position exhibits low evolutionary conservation.

CeGaT Center for Human Genetics Tuebingen
Classification: Likely benign. Last evaluated: 2020-10-01. Review status: criteria provided, single submitter. Criteria: CeGaT Center For Human Genetics Tuebingen Variant Classification Criteria Version 2. Collection method: clinical testing. Allele origin: germline. Affected: yes. Observed: 2 variant alleles.

Illumina Laboratory Services, Illumina
Classification: Uncertain significance for Alzheimer disease 4. Last evaluated: 2018-01-13. Review status: criteria provided, single submitter. Criteria: ICSL Variant Classification Criteria 13 December 2019. Collection method: clinical testing. Allele origin: germline.

Illumina Laboratory Services, Illumina
Classification: Uncertain significance for Dilated cardiomyopathy 1V. Last evaluated: 2018-01-13. Review status: criteria provided, single submitter. Criteria: ICSL Variant Classification Criteria 13 December 2019. Collection method: clinical testing. Allele origin: germline.

Clinical Genetics DNA and cytogenetics Diagnostics Lab, Erasmus MC, Erasmus Medical Center
Classification: Likely benign. Review status: no assertion criteria provided. Collection method: clinical testing. Allele origin: germline. Affected: yes. Study: VKGL Data-share Consensus. Not counted in ClinVar's aggregate classification.

Diagnostic Laboratory, Department of Genetics, University Medical Center Groningen
Classification: Likely benign. Review status: no assertion criteria provided. Collection method: clinical testing. Allele origin: germline. Affected: yes. Study: VKGL Data-share Consensus. Not counted in ClinVar's aggregate classification.

Genome Diagnostics Laboratory, Amsterdam University Medical Center
Classification: Likely benign. Review status: no assertion criteria provided. Collection method: clinical testing. Allele origin: germline. Affected: yes. Study: VKGL Data-share Consensus. Not counted in ClinVar's aggregate classification.

NM_000447.3(PSEN2):c.336C>T (p.Tyr112=)

Gene: PSEN2 (presenilin 2; plus strand). Cytogenetic location: 1q42.13.
Variant type: single nucleotide variant.
Coding change: c.336C>T on transcript NM_000447.3 (MANE Select); coding-DNA position 336, C replaced by T.
Protein change: p.Tyr112=; no amino-acid change (tyrosine 112 retained).
Molecular consequence: synonymous variant.
Genome position (GRCh38, 1-based): chr1:226,883,899, C>T. VCF-style: chr1-226883899-C-T. GRCh37 (hg19) VCF-style: chr1-227071600-C-T.
Other names: c.336C>T, p.Tyr112= (NM_012486.3).
Identifiers: ClinVar variation 295989 (VCV000295989.61), dbSNP rs200610057, ClinGen allele CA1424465.